The following is an entry in ClinVar:

ClinVar aggregate classification (germline): Uncertain significance (1 of 4 stars; one submission).

Conditions:
Rhabdoid tumor predisposition syndrome 2 (RTPS2). Identifiers: Orphanet 231108, Orphanet 69077, MedGen C2750074, MONDO:0013224, OMIM 613325.

Submission:

Labcorp Genetics (formerly Invitae), Labcorp
Classification: Uncertain significance for Rhabdoid tumor predisposition syndrome 2. Last evaluated: 2022-10-08. Review status: criteria provided, single submitter. Criteria: Invitae Variant Classification Sherloc (09022015). Collection method: clinical testing. Allele origin: germline.
Comment: In summary, the available evidence is currently insufficient to determine the role of this variant in disease. Therefore, it has been classified as a Variant of Uncertain Significance. Algorithms developed to predict the effect of missense changes on protein structure and function (SIFT, PolyPhen-2, Align-GVGD) all suggest that this variant is likely to be disruptive. This variant has not been reported in the literature in individuals affected with SMARCA4-related conditions. This variant is not present in population databases (gnomAD no frequency). This sequence change replaces serine, which is neutral and polar, with glycine, which is neutral and non-polar, at codon 1553 of the SMARCA4 protein (p.Ser1553Gly).

NM_003072.5(SMARCA4):c.4561A>G (p.Ser1521Gly)

Gene: SMARCA4 (SWI/SNF related BAF chromatin remodeling complex subunit ATPase 4; plus strand). Cytogenetic location: 19p13.2.
Variant type: single nucleotide variant.
Coding change: c.4561A>G on transcript NM_003072.5 (MANE Select); coding-DNA position 4561, A replaced by G.
Protein change: p.Ser1521Gly; replaces serine 1521 with glycine.
Molecular consequence: missense variant. On other transcripts: non-coding transcript variant (1).
Genome position (GRCh38, 1-based): chr19:11,058,815, A>G. VCF-style: chr19-11058815-A-G. GRCh37 (hg19) VCF-style: chr19-11169491-A-G.
Other names: c.4561A>G, p.Ser1521Gly (NM_001128844.3); c.4471A>G, p.Ser1491Gly (NM_001128845.2); c.4468A>G, p.Ser1490Gly (NM_001128846.2); c.4462A>G, p.Ser1488Gly (NM_001128847.4, NM_001374457.1); c.4459A>G, p.Ser1487Gly (NM_001128848.2); c.4657A>G, p.Ser1553Gly (NM_001128849.3, NM_001387283.1); c.4558A>G, p.Ser1520Gly (NM_001411150.1); short protein forms S1487G, S1488G, S1490G, S1491G, S1520G, S1521G, S1553G.
Identifiers: ClinVar variation 1721232 (VCV001721232.5), dbSNP rs2515779088, ClinGen allele CA404078777.